The following is an entry in ClinVar:

NM_004006.3(DMD):c.5779A>C (p.Asn1927His)

Gene: DMD (dystrophin; minus strand). Cytogenetic location: Xp21.1.
Variant type: single nucleotide variant.
Coding change: c.5779A>C on transcript NM_004006.3 (MANE Select); coding-DNA position 5779, A replaced by C.
Protein change: p.Asn1927His; replaces asparagine 1927 with histidine.
Molecular consequence: missense variant.
Genome position (GRCh38, 1-based): chrX:32,342,243, T>G on the plus strand (A>C on the coding strand, the complement: DMD is on the minus strand). VCF-style: chrX-32342243-T-G. GRCh37 (hg19) VCF-style: chrX-32360360-T-G.
Other names: c.5755A>C, p.Asn1919His (NM_000109.4); c.5767A>C, p.Asn1923His (NM_004009.3); c.5410A>C, p.Asn1804His (NM_004010.3); c.1756A>C, p.Asn586His (NM_004011.4); c.1747A>C, p.Asn583His (NM_004012.4); short protein forms N1804H, N1919H, N1923H, N1927H, N583H, N586H.
Identifiers: ClinVar variation 1025312 (VCV001025312.11), dbSNP rs2097747500, ClinGen allele CA412665218.

ClinVar aggregate classification (germline): Uncertain significance. Review status: criteria provided, single submitter (1 of 4 stars). 2 submissions from 2 submitters: Uncertain significance (1). 1 of the submissions does not count toward it. Last evaluated 2020-01-30.

Conditions:
Cardiomyopathy (CMYO). Also called: Cardiomyopathies. Identifiers: Orphanet 167848, MedGen C0878544, MONDO:0004994, HP:0001638. Inheritance: Various modes of inheritance.
Dystrophin deficiency.
Duchenne muscular dystrophy (DMD). Also called: MUSCULAR DYSTROPHY, PSEUDOHYPERTROPHIC PROGRESSIVE, DUCHENNE TYPE; Duchenne Muscular Dystrophy (DMD). Identifiers: Orphanet 98896, MedGen C0013264, MONDO:0010679, OMIM 310200.
Becker muscular dystrophy (BMD). Also called: Becker Muscular Dystrophy (BMD); MUSCULAR DYSTROPHY, PSEUDOHYPERTROPHIC PROGRESSIVE, BECKER TYPE. Identifiers: Orphanet 98895, MedGen C0917713, MONDO:0010311, OMIM 300376.

Submissions (2):

Labcorp Genetics (formerly Invitae), Labcorp
Classification: Uncertain significance for Duchenne muscular dystrophy. Last evaluated: 2020-01-30. Review status: criteria provided, single submitter. Criteria: Invitae Variant Classification Sherloc (09022015). Collection method: clinical testing. Allele origin: germline.
Comment: In summary, the available evidence is currently insufficient to determine the role of this variant in disease. Therefore, it has been classified as a Variant of Uncertain Significance. Algorithms developed to predict the effect of missense changes on protein structure and function are either unavailable or do not agree on the potential impact of this missense change (SIFT: "Deleterious"; PolyPhen-2: "Benign"; Align-GVGD: "Class C0"). This variant has not been reported in the literature in individuals with DMD-related conditions. This variant is not present in population databases (ExAC no frequency). This sequence change replaces asparagine with histidine at codon 1927 of the DMD protein (p.Asn1927His). The asparagine residue is moderately conserved and there is a small physicochemical difference between asparagine and histidine.

Natera, Inc.
Classification: Uncertain significance for Becker muscular dystrophy; Cardiomyopathy; Duchenne muscular dystrophy; Dystrophin deficiency. Last evaluated: 2021-02-10. Review status: no assertion criteria provided. Collection method: clinical testing. Allele origin: germline. Not counted in ClinVar's aggregate classification.